The following is an entry in ClinVar:

NM_144498.4(OSBPL2):c.956A>C (p.Lys319Thr)

Gene: OSBPL2 (oxysterol binding protein like 2; plus strand). Cytogenetic location: 20q13.33.
Variant type: single nucleotide variant.
Coding change: c.956A>C on transcript NM_144498.4 (MANE Select); coding-DNA position 956, A replaced by C.
Protein change: p.Lys319Thr; replaces lysine 319 with threonine.
Molecular consequence: missense variant.
Genome position (GRCh38, 1-based): chr20:62,284,129, A>C. VCF-style: chr20-62284129-A-C. GRCh37 (hg19) VCF-style: chr20-60859185-A-C.
Other names: c.680A>C, p.Lys227Thr (NM_001278649.3, NM_001363878.2); c.920A>C, p.Lys307Thr (NM_014835.5); short protein forms K227T, K307T, K319T.
Identifiers: ClinVar variation 4083215 (VCV004083215.1).

ClinVar aggregate classification (germline): Uncertain significance (1 of 4 stars; one submission).

Submission:

GeneDx
Classification: Uncertain significance. Last evaluated: 2025-03-12. Review status: criteria provided, single submitter. Criteria: GeneDx Variant Classification Process June 2021. Collection method: clinical testing. Allele origin: germline. Affected: yes.
Comment: Not observed at significant frequency in large population cohorts (gnomAD); In silico analysis supports that this missense variant has a deleterious effect on protein structure/function; Has not been previously published as pathogenic or benign to our knowledge